The following is an entry in ClinVar:

ClinVar aggregate classification (germline): Uncertain significance (1 of 4 stars; one submission).

gnomAD v4.1: 3 of 1,583,570 alleles (0.00019%); highest among the groups gnomAD compares: Non-Finnish European, 0.000085%; no homozygotes.

Submission:

Labcorp Genetics (formerly Invitae), Labcorp
Classification: Uncertain significance. Last evaluated: 2023-10-04. Review status: criteria provided, single submitter. Criteria: Invitae Variant Classification Sherloc (09022015). Collection method: clinical testing. Allele origin: germline.
Comment: This sequence change replaces aspartic acid, which is acidic and polar, with alanine, which is neutral and non-polar, at codon 50 of the INTU protein (p.Asp50Ala). This variant is not present in population databases (gnomAD no frequency). This variant has not been reported in the literature in individuals affected with INTU-related conditions. An algorithm developed to predict the effect of missense changes on protein structure and function (PolyPhen-2) suggests that this variant is likely to be disruptive. In summary, the available evidence is currently insufficient to determine the role of this variant in disease. Therefore, it has been classified as a Variant of Uncertain Significance.

NM_015693.4(INTU):c.149A>C (p.Asp50Ala)

Gene: INTU (inturned planar cell polarity protein; plus strand). Cytogenetic location: 4q28.1.
Variant type: single nucleotide variant.
Coding change: c.149A>C on transcript NM_015693.4 (MANE Select); coding-DNA position 149, A replaced by C.
Protein change: p.Asp50Ala; replaces aspartic acid 50 with alanine.
Molecular consequence: missense variant.
Genome position (GRCh38, 1-based): chr4:127,643,523, A>C. VCF-style: chr4-127643523-A-C. GRCh37 (hg19) VCF-style: chr4-128564678-A-C.
Other names: short protein forms D50A.
Identifiers: ClinVar variation 2800765 (VCV002800765.3), dbSNP rs1727425195, ClinGen allele CA358132906.